The following is an entry in ClinVar:

NM_000079.4(CHRNA1):c.746C>A (p.Thr249Asn)

Gene: CHRNA1 (cholinergic receptor nicotinic alpha 1 subunit; minus strand). Cytogenetic location: 2q31.1.
Variant type: single nucleotide variant.
Coding change: c.746C>A on transcript NM_000079.4 (MANE Select); coding-DNA position 746, C replaced by A.
Protein change: p.Thr249Asn; replaces threonine 249 with asparagine.
Molecular consequence: missense variant.
Genome position (GRCh38, 1-based): chr2:174,753,535, G>T on the plus strand (C>A on the coding strand, the complement: CHRNA1 is on the minus strand). VCF-style: chr2-174753535-G-T. GRCh37 (hg19) VCF-style: chr2-175618263-G-T.
Other names: c.821C>A, p.Thr274Asn (NM_001039523.3); short protein forms T274N, T249N.
Identifiers: ClinVar variation 1999935 (VCV001999935.5), dbSNP rs770040016, ClinGen allele CA349338808.

ClinVar aggregate classification (germline): Uncertain significance. Review status: criteria provided, single submitter (1 of 4 stars). 2 submissions from 2 submitters: Uncertain significance (1). 1 of the submissions does not count toward it. Last evaluated 2024-10-30.

Conditions:
Myasthenic syndrome, congenital, 1A, slow-channel. Also called: CMS IIa; MYASTHENIC SYNDROME, CONGENITAL, TYPE IIa; Congenital myasthenic syndrome 1A. Identifiers: MedGen C2931107, MONDO:0011088, OMIM 601462.
Lethal multiple pterygium syndrome (LMPS). Identifiers: Orphanet 33108, MedGen C1854678, MONDO:0009668, OMIM 253290.

Submissions (2):

Labcorp Genetics (formerly Invitae), Labcorp
Classification: Uncertain significance for Lethal multiple pterygium syndrome. Last evaluated: 2024-10-30. Review status: criteria provided, single submitter. Criteria: Invitae Variant Classification Sherloc (09022015). Collection method: clinical testing. Allele origin: germline.
Comment: This sequence change replaces threonine, which is neutral and polar, with asparagine, which is neutral and polar, at codon 249 of the CHRNA1 protein (p.Thr249Asn). This variant is not present in population databases (gnomAD no frequency). This variant has not been reported in the literature in individuals affected with CHRNA1-related conditions. ClinVar contains an entry for this variant (Variation ID: 1999935). Invitae Evidence Modeling of protein sequence and biophysical properties (such as structural, functional, and spatial information, amino acid conservation, physicochemical variation, residue mobility, and thermodynamic stability) indicates that this missense variant is not expected to disrupt CHRNA1 protein function with a negative predictive value of 80%. In summary, the available evidence is currently insufficient to determine the role of this variant in disease. Therefore, it has been classified as a Variant of Uncertain Significance.

Clinical Genetics Laboratory, University Hospital Schleswig-Holstein
Classification: Uncertain significance for Myasthenic syndrome, congenital, 1A, slow-channel. Last evaluated: 2022-09-26. Review status: no assertion criteria provided. Collection method: clinical testing. Allele origin: germline. Affected: yes. Not counted in ClinVar's aggregate classification.